The following is an entry in ClinVar:

NM_001356.5(DDX3X):c.652_654del (p.Arg218del)

Gene: DDX3X (DEAD-box helicase 3 X-linked; plus strand). Cytogenetic location: Xp11.4.
Variant type: Deletion.
Coding change: c.652_654del on transcript NM_001356.5 (MANE Select); coding-DNA positions 652 to 654, 3 bases deleted (AGA; older notation c.652_654delAGA).
Protein change: p.Arg218del; deletes arginine 218.
Molecular consequence: inframe deletion. On other transcripts: non-coding transcript variant (1).
Genome position (GRCh38, 1-based): chrX:41,343,324-41,343,326, AGA deleted; deleting any 3 consecutive bases within chrX:41,343,323-41,343,326 gives the same sequence; the c. name uses the placement nearest the transcript's 3' end. VCF-style (leftmost placement, unchanged base first): chrX-41343322-AAAG-A. GRCh37 (hg19) VCF-style: chrX-41202575-AAAG-A.
Other names: c.652_654del, p.Arg218del (NM_001193416.3); c.604_606del, p.Arg202del (NM_001193417.3); c.94_96del, p.Arg32del (NM_001363819.1); short protein forms R218del, R202del, R32del.
Identifiers: ClinVar variation 1392822 (VCV001392822.6), dbSNP rs2147351888, ClinGen allele CA2573158702.

ClinVar aggregate classification (germline): Uncertain significance (1 of 4 stars; one submission).

Submission:

Labcorp Genetics (formerly Invitae), Labcorp
Classification: Uncertain significance. Last evaluated: 2021-05-14. Review status: criteria provided, single submitter. Criteria: Invitae Variant Classification Sherloc (09022015). Collection method: clinical testing. Allele origin: germline.
Comment: This variant, c.652_654del, results in the deletion of 1 amino acid(s) of the DDX3X protein (p.Arg218del), but otherwise preserves the integrity of the reading frame. This variant is not present in population databases (ExAC no frequency). This variant has been observed in individual(s) with clinical features of DDX3X-related conditions (Invitae). Experimental studies and prediction algorithms are not available or were not evaluated, and the functional significance of this variant is currently unknown. In summary, the available evidence is currently insufficient to determine the role of this variant in disease. Therefore, it has been classified as a Variant of Uncertain Significance.